The following is an entry in ClinVar:

NM_000551.4(VHL):c.340+623G>A

Genes: VHL (von Hippel-Lindau tumor suppressor; plus strand), LOC107303340 (3p25 von Hippel-Lindau tumor suppressor, E3 ubiquitin protein ligase Alu-mediated recombination region; plus strand). Cytogenetic location: 3p25.3.
Variant type: single nucleotide variant.
Coding change: c.340+623G>A on transcript NM_000551.4 (MANE Select); 623 bases into the intron after coding-DNA position 340, G replaced by A.
Molecular consequence: intron variant. On other transcripts: missense variant (1).
Genome position (GRCh38, 1-based): chr3:10,142,810, G>A. VCF-style: chr3-10142810-G-A. GRCh37 (hg19) VCF-style: chr3-10184494-G-A.
Other names: c.388G>A, p.Glu130Lys (NM_001354723.2); c.340+623G>A (NM_198156.3); short protein forms E130K.
Identifiers: ClinVar variation 1376202 (VCV001376202.8), dbSNP rs2125125891, ClinGen allele CA2573136099.

ClinVar aggregate classification (germline): Uncertain significance (1 of 4 stars; one submission).

Conditions:
Chuvash polycythemia. Also called: POLYCYTHEMIA, VHL-DEPENDENT. Identifiers: Orphanet 238557, MedGen C1837915, MONDO:0009892, OMIM 263400.
Von Hippel-Lindau syndrome (VHLS). Also called: Von Hippel-Lindau; von Hippel–Lindau syndrome; VHL syndrome. Identifiers: Orphanet 892, MedGen C0019562, MONDO:0008667, OMIM 193300. Disease mechanism: loss of function.

Submission:

Labcorp Genetics (formerly Invitae), Labcorp
Classification: Uncertain significance for Von Hippel-Lindau syndrome; Chuvash polycythemia. Last evaluated: 2021-06-17. Review status: criteria provided, single submitter. Criteria: Invitae Variant Classification Sherloc (09022015). Collection method: clinical testing. Allele origin: germline.
Comment: In summary, the available evidence is currently insufficient to determine the role of this variant in disease. Therefore, it has been classified as a Variant of Uncertain Significance. Experimental studies and prediction algorithms are not available or were not evaluated, and the functional significance of this variant is currently unknown. This variant has not been reported in the literature in individuals with VHL-related conditions. The frequency data for this variant in the population databases is considered unreliable, as metrics indicate insufficient coverage at this position in the ExAC database. This sequence change falls in intron 1 of the VHL gene. It is not expected to change the encoded amino acid sequence of the VHL protein. However, this sequence change falls within a cryptic exon in the VHL gene, known as exon E1’, which is naturally expressed at low levels in several human tissues (PMID: 29891534).

Literature cited by the submitters: PubMed 29891534.